The following is an entry in ClinVar:

ClinVar aggregate classification (germline): Uncertain significance (1 of 4 stars; one submission).

Submission:

Labcorp Genetics (formerly Invitae), Labcorp
Classification: Uncertain significance. Last evaluated: 2025-10-05. Review status: criteria provided, single submitter. Criteria: Invitae Variant Classification Sherloc (09022015). Collection method: clinical testing. Allele origin: germline.
Comment: This sequence change replaces threonine, which is neutral and polar, with arginine, which is basic and polar, at codon 2118 of the CELSR2 protein (p.Thr2118Arg). This variant is not present in population databases (gnomAD no frequency). This variant has not been reported in the literature in individuals affected with CELSR2-related conditions. Invitae Evidence Modeling of protein sequence and biophysical properties (such as structural, functional, and spatial information, amino acid conservation, physicochemical variation, residue mobility, and thermodynamic stability) indicates that this missense variant is not expected to disrupt CELSR2 protein function with a negative predictive value of 80%. In summary, the available evidence is currently insufficient to determine the role of this variant in disease. Therefore, it has been classified as a Variant of Uncertain Significance.

NM_001408.3(CELSR2):c.6353C>G (p.Thr2118Arg)

Gene: CELSR2 (cadherin EGF LAG seven-pass G-type receptor 2; plus strand). Cytogenetic location: 1p13.3.
Variant type: single nucleotide variant.
Coding change: c.6353C>G on transcript NM_001408.3 (MANE Select); coding-DNA position 6353, C replaced by G.
Protein change: p.Thr2118Arg; replaces threonine 2118 with arginine.
Molecular consequence: missense variant.
Genome position (GRCh38, 1-based): chr1:109,268,615, C>G. VCF-style: chr1-109268615-C-G. GRCh37 (hg19) VCF-style: chr1-109811237-C-G.
Other names: short protein forms T2118R.
Identifiers: ClinVar variation 4752594 (VCV004752594.1).
Genomic context (GRCh38, chr1:109,268,615, plus strand): 5'-ACCCACCGTGACCTTGCCCACCCCAGAATCTGCTGCGGGTGGGCAGCGCCCTCCTGGACA[C>G]AGCCAACAAGCGGCACTGGGAGCTGATCCAGCAGACAGAGGGTGGCACCGCCTGGCTGCT-3'
Protein context (NP_001399.1, residues 2108-2128): LLRVGSALLD[Thr2118Arg]ANKRHWELIQ